The following is an entry in ClinVar:

ClinVar aggregate classification (germline): Uncertain significance. Review status: criteria provided, multiple submitters, no conflicts (2 of 4 stars). 2 submissions from 2 submitters: Uncertain significance (2). Last evaluated 2026-02-24.

Conditions:
LEPR-related disorder. Also called: LEPR-related condition; LEPR-related disorders.
Inborn genetic diseases. Identifiers: MedGen C0950123, MeSH D030342.

gnomAD v4.1: 2 of 1,613,716 alleles (0.00012%); highest among the groups gnomAD compares: African/African-American, 0.0027%; no homozygotes.

Submissions (2):

PreventionGenetics, part of Exact Sciences
Classification: Uncertain significance for LEPR-related condition. Last evaluated: 2026-02-24. Review status: criteria provided, single submitter. Criteria: ACMG Guidelines, 2015. Collection method: clinical testing. Allele origin: germline.
Comment: The LEPR c.1165A>G variant is predicted to result in the amino acid substitution p.Ser389Gly. This variant was observed in a cohort of individuals with obesity, and in vitro functional studies showed function similar to wild-type levels (Supplemental Data Set, Shah et al. 2023. PubMed ID: 36864747). This variant is reported in 0.0062% of alleles in individuals of African descent in gnomAD. Of note, a different variant impacting the same amino acid (p.Ser389Asn) has been documented in a cohort of individuals with obesity (Courbage et al. 2021. PubMed ID: 34097736), but functional analysis of this variant demonstrated a neutral effect (Delplanque et al. 2024. PubMed ID: 39561769). At this time, the clinical significance of the c.1165A>G (p.Ser389Gly) variant is uncertain due to the absence of conclusive functional and genetic evidence.

Ambry Genetics
Classification: Uncertain significance for Inborn genetic diseases. Last evaluated: 2025-12-29. Review status: criteria provided, single submitter. Criteria: Ambry Variant Classification Scheme 2023. Collection method: clinical testing. Allele origin: germline.

NM_002303.6(LEPR):c.1165A>G (p.Ser389Gly)

Gene: LEPR (leptin receptor; plus strand). Cytogenetic location: 1p31.3.
Variant type: single nucleotide variant.
Coding change: c.1165A>G on transcript NM_002303.6 (MANE Select); coding-DNA position 1165, A replaced by G.
Protein change: p.Ser389Gly; replaces serine 389 with glycine.
Molecular consequence: missense variant.
Genome position (GRCh38, 1-based): chr1:65,601,562, A>G. VCF-style: chr1-65601562-A-G. GRCh37 (hg19) VCF-style: chr1-66067245-A-G.
Other names: c.1165A>G, p.Ser389Gly (NM_001003679.3, NM_001003680.3, NM_001198687.2 and 2 more transcripts); short protein forms S389G.
Identifiers: ClinVar variation 4838742 (VCV004838742.2).
Genomic context (GRCh38, chr1:65,601,562, plus strand): 5'-TGGATGAATTTAGCTGAGAAAATTCCTCAAAGCCAGTATGATGTTGTGAGTGATCATGTT[A>G]GCAAAGTTACTTTTTTCAATCTGAATGAAACCAAACCTCGAGGAAAGTTTACCTATGATG-3'
Protein context (NP_002294.2, residues 379-399): SQYDVVSDHV[Ser389Gly]KVTFFNLNET